The following is an entry in ClinVar:

ClinVar aggregate classification (germline): Uncertain significance. Review status: criteria provided, multiple submitters, no conflicts (2 of 4 stars). 2 submissions from 2 submitters: Uncertain significance (2). Last evaluated 2025-05-25.

Conditions:
Primary ciliary dyskinesia. Also called: Ciliary dyskinesia. Identifiers: Orphanet 244, MedGen C0008780, MONDO:0016575, HP:0012265.
Primary ciliary dyskinesia 28. Also called: CILIARY DYSKINESIA, PRIMARY, 28, WITH OR WITHOUT SITUS INVERSUS. Identifiers: Orphanet 244, MedGen C3809706, MONDO:0014216, OMIM 615505.

Allele frequency attached by ClinVar (database versions not stated): gnomAD exomes 0.00002; gnomAD 0.00005; TOPMed 0.00005.
gnomAD v4.1: 33 of 1,612,672 alleles (0.002%); highest among the groups gnomAD compares: Middle Eastern, 0.066%; no homozygotes.

Submissions (2):

Labcorp Genetics (formerly Invitae), Labcorp
Classification: Uncertain significance for Primary ciliary dyskinesia 28. Last evaluated: 2025-05-25. Review status: criteria provided, single submitter. Criteria: Invitae Variant Classification Sherloc (09022015). Collection method: clinical testing. Allele origin: germline.
Comment: This sequence change replaces serine, which is neutral and polar, with leucine, which is neutral and non-polar, at codon 134 of the SPAG1 protein (p.Ser134Leu). This variant is present in population databases (no rsID available, gnomAD 0.003%). This variant has not been reported in the literature in individuals affected with SPAG1-related conditions. ClinVar contains an entry for this variant (Variation ID: 2317457). Invitae Evidence Modeling of protein sequence and biophysical properties (such as structural, functional, and spatial information, amino acid conservation, physicochemical variation, residue mobility, and thermodynamic stability) indicates that this missense variant is not expected to disrupt SPAG1 protein function with a negative predictive value of 80%. In summary, the available evidence is currently insufficient to determine the role of this variant in disease. Therefore, it has been classified as a Variant of Uncertain Significance.

Ambry Genetics
Classification: Uncertain significance for Primary ciliary dyskinesia. Last evaluated: 2022-10-06. Review status: criteria provided, single submitter. Criteria: Ambry Variant Classification Scheme 2023. Collection method: clinical testing. Allele origin: germline.

NM_003114.5(SPAG1):c.401C>T (p.Ser134Leu)

Gene: SPAG1 (sperm associated antigen 1; plus strand). Cytogenetic location: 8q22.2.
Variant type: single nucleotide variant.
Coding change: c.401C>T on transcript NM_003114.5 (MANE Select); coding-DNA position 401, C replaced by T.
Protein change: p.Ser134Leu; replaces serine 134 with leucine.
Molecular consequence: missense variant.
Genome position (GRCh38, 1-based): chr8:100,177,916, C>T. VCF-style: chr8-100177916-C-T. GRCh37 (hg19) VCF-style: chr8-101190144-C-T.
Other names: c.401C>T, p.Ser134Leu (NM_001374321.1, NM_172218.3); short protein forms S134L.
Identifiers: ClinVar variation 2317457 (VCV002317457.3), dbSNP rs934869420, ClinGen allele CA182361469.